The following is an entry in ClinVar:

NM_003482.4(KMT2D):c.11089G>C (p.Gly3697Arg)

Gene: KMT2D (lysine methyltransferase 2D; minus strand). Cytogenetic location: 12q13.12.
Variant type: single nucleotide variant.
Coding change: c.11089G>C on transcript NM_003482.4 (MANE Select); coding-DNA position 11089, G replaced by C.
Protein change: p.Gly3697Arg; replaces glycine 3697 with arginine.
Molecular consequence: missense variant.
Genome position (GRCh38, 1-based): chr12:49,033,616, C>G on the plus strand (G>C on the coding strand, the complement: KMT2D is on the minus strand). VCF-style: chr12-49033616-C-G. GRCh37 (hg19) VCF-style: chr12-49427399-C-G.
Other names: short protein forms G3697R.
Identifiers: ClinVar variation 4708648 (VCV004708648.1).

ClinVar aggregate classification (germline): Uncertain significance (1 of 4 stars; one submission).

Conditions:
Kabuki syndrome. Also called: NIIKAWA-KUROKI SYNDROME; Kabuki make-up syndrome. Identifiers: Orphanet 2322, MedGen C0796004, MONDO:0016512.

Submission:

Labcorp Genetics (formerly Invitae), Labcorp
Classification: Uncertain significance for Kabuki syndrome. Last evaluated: 2025-07-23. Review status: criteria provided, single submitter. Criteria: Invitae Variant Classification Sherloc (09022015). Collection method: clinical testing. Allele origin: germline.
Comment: This sequence change replaces glycine, which is neutral and non-polar, with arginine, which is basic and polar, at codon 3697 of the KMT2D protein (p.Gly3697Arg). This variant is not present in population databases (gnomAD no frequency). This variant has not been reported in the literature in individuals affected with KMT2D-related conditions. Invitae Evidence Modeling of protein sequence and biophysical properties (such as structural, functional, and spatial information, amino acid conservation, physicochemical variation, residue mobility, and thermodynamic stability) indicates that this missense variant is not expected to disrupt KMT2D protein function with a negative predictive value of 95%. In summary, the available evidence is currently insufficient to determine the role of this variant in disease. Therefore, it has been classified as a Variant of Uncertain Significance.